The following is an entry in ClinVar:

ClinVar aggregate classification (germline): Likely benign (0 of 4 stars; one submission).

Conditions:
HS6ST2-related disorder. Also called: HS6ST2-related condition.

Allele frequency attached by ClinVar (database versions not stated): 1000 Genomes Project 30x 0.00042; 1000 Genomes Project 0.00053; gnomAD 0.00143; TOPMed 0.00153; ExAC 0.00154; ESP Exome Variant Server 0.00183; gnomAD exomes 0.00225.
gnomAD v4.1: 2,601 of 1,209,099 alleles (0.22%); highest among the groups gnomAD compares: Non-Finnish European, 0.27%; 5 homozygotes.

Submission:

PreventionGenetics, part of Exact Sciences
Classification: Likely benign for HS6ST2-related condition. Last evaluated: 2019-12-16. Review status: no assertion criteria provided. Collection method: clinical testing. Allele origin: germline.
Comment: This variant is classified as likely benign based on ACMG/AMP sequence variant interpretation guidelines (Richards et al. 2015 PMID: 25741868, with internal and published modifications).

NM_001394073.1(HS6ST2):c.1648G>T (p.Ala550Ser)

Gene: HS6ST2 (heparan sulfate 6-O-sulfotransferase 2; minus strand). Cytogenetic location: Xq26.2.
Variant type: single nucleotide variant.
Coding change: c.1648G>T on transcript NM_001394073.1 (MANE Select); coding-DNA position 1648, G replaced by T.
Protein change: p.Ala550Ser; replaces alanine 550 with serine.
Molecular consequence: missense variant.
Genome position (GRCh38, 1-based): chrX:132,628,513, C>A on the plus strand (G>T on the coding strand, the complement: HS6ST2 is on the minus strand). VCF-style: chrX-132628513-C-A. GRCh37 (hg19) VCF-style: chrX-131762541-C-A.
Other names: c.1648G>T, p.Ala550Ser (NM_001077188.2); c.1528G>T, p.Ala510Ser (NM_001394074.1, NM_147175.4); short protein forms A510S, A550S.
Identifiers: ClinVar variation 3038566 (VCV003038566.2), dbSNP rs201186035, ClinGen allele CA10519479.